The following is an entry in ClinVar:

NM_005189.3(CBX2):c.1570G>A (p.Val524Met)

Gene: CBX2 (chromobox 2; plus strand). Cytogenetic location: 17q25.3.
Variant type: single nucleotide variant.
Coding change: c.1570G>A on transcript NM_005189.3 (MANE Select); coding-DNA position 1570, G replaced by A.
Protein change: p.Val524Met; replaces valine 524 with methionine.
Molecular consequence: missense variant.
Genome position (GRCh38, 1-based): chr17:79,785,013, G>A. VCF-style: chr17-79785013-G-A. GRCh37 (hg19) VCF-style: chr17-77758812-G-A.
Other names: short protein forms V524M.
Identifiers: ClinVar variation 1479412 (VCV001479412.8), dbSNP rs782049122, ClinGen allele CA8811549.

ClinVar aggregate classification (germline): Uncertain significance (1 of 4 stars; one submission).

Allele frequency attached by ClinVar (database versions not stated): TOPMed below 0.00001; gnomAD 0.00001; gnomAD exomes 0.00001; ExAC 0.00002.
gnomAD v4.1: 15 of 1,602,152 alleles (0.00094%); highest among the groups gnomAD compares: Non-Finnish European, 0.0012%; no homozygotes.

Submission:

Labcorp Genetics (formerly Invitae), Labcorp
Classification: Uncertain significance. Last evaluated: 2021-04-19. Review status: criteria provided, single submitter. Criteria: Invitae Variant Classification Sherloc (09022015). Collection method: clinical testing. Allele origin: germline.
Comment: Algorithms developed to predict the effect of missense changes on protein structure and function are either unavailable or do not agree on the potential impact of this missense change (SIFT: "Deleterious"; PolyPhen-2: "Probably Damaging"; Align-GVGD: "Class C0"). In summary, the available evidence is currently insufficient to determine the role of this variant in disease. Therefore, it has been classified as a Variant of Uncertain Significance. This variant has not been reported in the literature in individuals with CBX2-related conditions. This variant is present in population databases (rs782049122, ExAC 0.006%). This sequence change replaces valine with methionine at codon 524 of the CBX2 protein (p.Val524Met). The valine residue is highly conserved and there is a small physicochemical difference between valine and methionine.